The following is an entry in ClinVar:

NM_024301.5(FKRP):c.264C>G (p.Tyr88Ter)

Gene: FKRP (fukutin related protein; plus strand). Cytogenetic location: 19q13.32.
Variant type: single nucleotide variant.
Coding change: c.264C>G on transcript NM_024301.5 (MANE Select); coding-DNA position 264, C replaced by G.
Protein change: p.Tyr88Ter; replaces tyrosine 88 with a stop codon.
Molecular consequence: nonsense.
Genome position (GRCh38, 1-based): chr19:46,755,714, C>G. VCF-style: chr19-46755714-C-G. GRCh37 (hg19) VCF-style: chr19-47258971-C-G.
Other names: c.264C>G, p.Tyr88Ter (NM_001039885.3); c.264C>G (NM_024301.4); short protein forms Y88*.
Identifiers: ClinVar variation 597390 (VCV000597390.10), dbSNP rs1057520771, ClinGen allele CA406494991.

ClinVar aggregate classification (germline): Pathogenic/Likely pathogenic. Review status: criteria provided, multiple submitters, no conflicts (2 of 4 stars). 5 submissions from 5 submitters: Pathogenic (3); Likely pathogenic (2). Last evaluated 2025-09-26.

Conditions:
Cardiovascular phenotype. Identifiers: MedGen CN230736.
Walker-Warburg congenital muscular dystrophy. Also called: Muscular dystrophy-dystroglycanopathy, type A; Walker-Warburg syndrome. Identifiers: Orphanet 899, MedGen C0265221, MONDO:0000171.
Autosomal recessive limb-girdle muscular dystrophy type 2I. Also called: MUSCULAR DYSTROPHY, LIMB-GIRDLE, TYPE 2I; MUSCULAR DYSTROPHY-DYSTROGLYCANOPATHY, LIMB-GIRDLE, FRKP-RELATED; MUSCULAR DYSTROPHY-DYSTROGLYCANOPATHY (LIMB-GIRDLE), TYPE C, 5. Identifiers: Orphanet 34515, MedGen C1846672, MONDO:0011787, OMIM 607155.
Muscular dystrophy-dystroglycanopathy (congenital with brain and eye anomalies), type A5. Also called: WALKER-WARBURG SYNDROME OR MUSCLE-EYE-BRAIN DISEASE, FKRP-RELATED; MUSCULAR DYSTROPHY-DYSTROGLYCANOPATHY (CONGENITAL WITH BRAIN AND EYE ANOMALIES), TYPE A, 5. Identifiers: Orphanet 588, Orphanet 899, MedGen C3150413, MONDO:0013157, OMIM 613153.

Allele frequency attached by ClinVar (database versions not stated): TOPMed below 0.00001; gnomAD 0.00001.

Submissions (5):

Ambry Genetics
Classification: Pathogenic for Cardiovascular phenotype. Last evaluated: 2025-09-26. Review status: criteria provided, single submitter. Criteria: Ambry Variant Classification Scheme 2023. Collection method: clinical testing. Allele origin: germline.
Comment: The p.Y88* pathogenic mutation (also known as c.264C>G), located in coding exon 1 of the FKRP gene, results from a C to G substitution at nucleotide position 264. This changes the amino acid from a tyrosine to a stop codon within coding exon 1. This variant was reported in an individual with features consistent with FKRP-related dystroglycanopathies (Murphy LB et al. Ann Clin Transl Neurol, 2020 May;7:757-766). This alteration occurs at the 3' terminus of theFKRP gene, is not expected to trigger nonsense-mediated mRNA decay, and impacts the last 82% of the protein. However, premature stop codons are typically deleterious in nature and a significant portion of the protein is affected (Ambry internal data). This variant is considered to be rare based on population cohorts in the Genome Aggregation Database (gnomAD). Based on the supporting evidence, this variant is interpreted as a disease-causing mutation.

Labcorp Genetics (formerly Invitae), Labcorp
Classification: Pathogenic for Walker-Warburg congenital muscular dystrophy. Last evaluated: 2024-12-07. Review status: criteria provided, single submitter. Criteria: Invitae Variant Classification Sherloc (09022015). Collection method: clinical testing. Allele origin: germline.
Comment: This sequence change creates a premature translational stop signal (p.Tyr88*) in the FKRP gene. While this is not anticipated to result in nonsense mediated decay, it is expected to disrupt the last 408 amino acid(s) of the FKRP protein. This variant is not present in population databases (gnomAD no frequency). This variant has not been reported in the literature in individuals affected with FKRP-related conditions. ClinVar contains an entry for this variant (Variation ID: 597390). This variant disrupts a region of the FKRP protein in which other variant(s) (p.Ile478Thr) have been determined to be pathogenic (PMID: 16476814, 18639457, 19299310). This suggests that this is a clinically significant region of the protein, and that variants that disrupt it are likely to be disease-causing. For these reasons, this variant has been classified as Pathogenic.

Natera, Inc.
Classification: Likely pathogenic for Limb-girdle muscular dystrophy type 2I. Last evaluated: 2024-09-01. Review status: criteria provided, single submitter. Criteria: Natera Variant Classification Schema (03/2026). Collection method: clinical testing. Allele origin: germline.
Comment: The c.264C>G variant in FKRP is a nonsense variant predicted to introduce a stop codon at amino acid 88. This variant is expected to result in nonsense mediated decay, truncation, or a dysfunctional protein product. This variant is rare in the general population with a frequency below the threshold expected for the associated phenotype(s). Given the available evidence, this variant is classified as Likely Pathogenic.

Baylor Genetics
Classification: Likely pathogenic for Muscular dystrophy-dystroglycanopathy (congenital with brain and eye anomalies), type A5. Last evaluated: 2024-02-24. Review status: criteria provided, single submitter. Criteria: ACMG Guidelines, 2015. Collection method: clinical testing. Allele origin: unknown.

Eurofins Ntd Llc (ga)
Classification: Pathogenic. Last evaluated: 2018-06-01. Review status: criteria provided, single submitter. Criteria: EGL ClinVar v180209 classification definitions. Collection method: clinical testing. Allele origin: germline. Observed: 1 variant allele, 1 heterozygote.

Literature cited by the submitters: PubMed 32342672 (cited by Ambry Genetics); PubMed 16476814 (cited by Labcorp Genetics (formerly Invitae), Labcorp); PubMed 18639457 (cited by Labcorp Genetics (formerly Invitae), Labcorp); PubMed 19299310 (cited by Labcorp Genetics (formerly Invitae), Labcorp).